The following is an entry in ClinVar:

ClinVar aggregate classification (germline): Pathogenic (1 of 4 stars; one submission).

Conditions:
Brittle cornea syndrome 1 (BCS1). Also called: CORNEAL FRAGILITY, KERATOGLOBUS, BLUE SCLERAE, JOINT HYPEREXTENSIBILITY; EDS6B; FRAGILITAS OCULI WITH JOINT HYPEREXTENSIBILITY; Corneal fragility keratoglobus, blue sclerae AND joint hypermobility; DYSGENESIS MESODERMALIS CORNEAE ET SCLERAE. Identifiers: Orphanet 90354, MedGen C0268344, MONDO:0024543, OMIM 229200.

Submission:

Victorian Clinical Genetics Services, Murdoch Childrens Research Institute
Classification: Pathogenic for Brittle cornea syndrome 1. Last evaluated: 2024-10-08. Review status: criteria provided, single submitter. Criteria: ACMG Guidelines, 2015. Collection method: clinical testing. Allele origin: germline. Inheritance: Autosomal recessive inheritance. Affected: yes.
Comment: Based on the classification scheme VCGS_Germline_v1.3.4, this variant is classified as Pathogenic. Following criteria are met: 0102 - Loss of function is a known mechanism of disease in this gene and is associated with brittle cornea syndrome 1 (MIM#229200). (I) 0106 - This gene is associated with autosomal recessive disease. (I) 0201 - Variant is predicted to cause nonsense-mediated decay (NMD) and loss of protein (premature termination codon is located at least 54 nucleotides upstream of the final exon-exon junction). In an alternative transcript (NM_001367624.2), this variant is predicted to result in a truncated protein (premature termination codon is NOT located at least 54 nucleotides upstream of the final exon-exon junction) with at least 1/3 of the protein sequence affected. (SP) 0251 - This variant is heterozygous. (I) 0301 - Variant is absent from gnomAD (both v2 and v3). (SP) 0701 - Other premature termination variants comparable to the one identified in this case have very strong previous evidence for pathogenicity (DECIPHER). (SP) 0807 - This variant has no previous evidence of pathogenicity. (I) 0905 - No published segregation evidence has been identified for this variant. (I) 1007 - No published functional evidence has been identified for this variant. (I) 1208 - Inheritance information for this variant is not currently available in this individual. (I) Legend: (SP) - Supporting pathogenic, (I) - Information, (SB) - Supporting benign

NM_001367624.2(ZNF469):c.612_619dup (p.Ala207fs)

Gene: ZNF469 (zinc finger protein 469; plus strand). Cytogenetic location: 16q24.2.
Variant type: Duplication.
Coding change: c.612_619dup on transcript NM_001367624.2 (MANE Select); coding-DNA positions 612 to 619, 8 bases duplicated (GCCCCCAG; older notation c.612_619dupGCCCCCAG).
Protein change: p.Ala207fs; shifts the reading frame from alanine 207.
Molecular consequence: frameshift variant.
Genome position (GRCh38, 1-based): chr16:88,428,082-88,428,089, GCCCCCAG duplicated; duplicating any 8 consecutive bases within chr16:88,428,075-88,428,089 gives the same sequence; the c. name uses the placement nearest the transcript's 3' end. VCF-style (leftmost placement, unchanged base first): chr16-88428074-A-ACCCCCAGG. GRCh37 (hg19) VCF-style: chr16-88494482-A-ACCCCCAGG.
Other names: NM_001127464.2:c.612_619dupGCCCCCAG; short protein forms A207fs.
Identifiers: ClinVar variation 3376971 (VCV003376971.1).